The following is an entry in ClinVar:

ClinVar aggregate classification (germline): Pathogenic/Likely pathogenic. Review status: criteria provided, multiple submitters, no conflicts (2 of 4 stars). 6 submissions from 6 submitters: Pathogenic (1); Likely pathogenic (4). 1 of the submissions does not count toward it. Last evaluated 2025-08-12.

Conditions:
GUSB-related disorder. Also called: GUSB-related condition.
Mucopolysaccharidosis type 7 (MPS7). Also called: MPS VII; BETA-GLUCURONIDASE DEFICIENCY; SLY SYNDROME; GUSB DEFICIENCY. Identifiers: Orphanet 584, MedGen C0085132, MONDO:0009662, OMIM 253220.

Allele frequency attached by ClinVar (database versions not stated): gnomAD 0.00001; TOPMed 0.00001.
gnomAD v4.1: 8 of 1,613,678 alleles (0.0005%); highest among the groups gnomAD compares: Non-Finnish European, 0.00068%; no homozygotes.

Submissions (6):

Labcorp Genetics (formerly Invitae), Labcorp
Classification: Pathogenic for Mucopolysaccharidosis type 7. Last evaluated: 2025-08-12. Review status: criteria provided, single submitter. Criteria: Invitae Variant Classification Sherloc (09022015). Collection method: clinical testing. Allele origin: germline.
Comment: This sequence change replaces tryptophan, which is neutral and slightly polar, with cysteine, which is neutral and slightly polar, at codon 627 of the GUSB protein (p.Trp627Cys). This variant is not present in population databases (gnomAD no frequency). This missense change has been observed in individual(s) with mucopolysaccharidosis type VII (PMID: 7680524; internal data). In at least one individual the data is consistent with being in trans (on the opposite chromosome) from a pathogenic variant. ClinVar contains an entry for this variant (Variation ID: 907). Invitae Evidence Modeling of protein sequence and biophysical properties (such as structural, functional, and spatial information, amino acid conservation, physicochemical variation, residue mobility, and thermodynamic stability) indicates that this missense variant is not expected to disrupt GUSB protein function with a negative predictive value of 80%. Experimental studies have shown that this missense change affects GUSB function (PMID: 7680524). For these reasons, this variant has been classified as Pathogenic.

Fulgent Genetics
Classification: Likely pathogenic for Mucopolysaccharidosis type 7. Last evaluated: 2024-01-17. Review status: criteria provided, single submitter. Criteria: ACMG Guidelines, 2015. Collection method: clinical testing. Allele origin: germline.

GeneDx
Classification: Likely pathogenic. Last evaluated: 2023-09-10. Review status: criteria provided, single submitter. Criteria: GeneDx Variant Classification Process June 2021. Collection method: clinical testing. Allele origin: germline. Affected: yes.
Comment: Published functional studies suggest a damaging effect on enzyme activity (Shipley et al., 1993); In silico analysis supports that this missense variant has a deleterious effect on protein structure/function; This variant is associated with the following publications: (PMID: 8644704, 11226217, 19224584, 7680524, 16546179, 21924061, 23777470)

PreventionGenetics, part of Exact Sciences
Classification: Likely pathogenic for GUSB-related condition. Last evaluated: 2022-10-18. Review status: criteria provided, single submitter. Criteria: ACMG Guidelines, 2015. Collection method: clinical testing. Allele origin: germline.
Comment: The GUSB c.1881G>T variant is predicted to result in the amino acid substitution p.Trp627Cys. This variant was reported in the compound heterozygous state in an individual with mucopolysaccharidosis VII (Shipley et al. 1993. PubMed ID: 7680524; Vervoort et al. 1996. PubMed ID: 8644704). Functional analysis of this variant showed a reduction in enzyme activity to ~ 40-65% of wild type activity (Shipley et al. 1993. PubMed ID: 7680524; Tomatsu et al. 2009. PubMed ID: 19224584). This variant has not been reported in a large population database, indicating this variant is rare. In ClinVar, this variant has been interpreted as likely pathogenic and pathogenic. Based on this evidence, we interpret this variant as likely pathogenic.

Revvity Omics, Revvity
Classification: Likely pathogenic for Mucopolysaccharidosis type 7. Last evaluated: 2019-12-27. Review status: criteria provided, single submitter. Criteria: ACMG Guidelines, 2015. Collection method: clinical testing. Allele origin: germline.

OMIM
Classification: Pathogenic for MUCOPOLYSACCHARIDOSIS, TYPE VII. Last evaluated: 1993-03-01. Review status: no assertion criteria provided. Collection method: literature only. Allele origin: germline. Not counted in ClinVar's aggregate classification.

Literature cited by the submitters: PubMed 7680524 (cited by Labcorp Genetics (formerly Invitae), Labcorp and OMIM); PubMed 11226217 (cited by OMIM).

NM_000181.4(GUSB):c.1881G>T (p.Trp627Cys)

Gene: GUSB (glucuronidase beta; minus strand). Cytogenetic location: 7q11.21.
Variant type: single nucleotide variant.
Coding change: c.1881G>T on transcript NM_000181.4 (MANE Select); coding-DNA position 1881, G replaced by T.
Protein change: p.Trp627Cys; replaces tryptophan 627 with cysteine.
Molecular consequence: missense variant. On other transcripts: non-coding transcript variant (1).
Genome position (GRCh38, 1-based): chr7:65,960,972, C>A on the plus strand (G>T on the coding strand, the complement: GUSB is on the minus strand). VCF-style: chr7-65960972-C-A. GRCh37 (hg19) VCF-style: chr7-65425959-C-A.
Other names: c.1443G>T, p.Trp481Cys (NM_001284290.2); c.1311G>T, p.Trp437Cys (NM_001293104.2); c.1224G>T, p.Trp408Cys (NM_001293105.2); short protein forms W627C, W437C, W481C, W408C.
Identifiers: ClinVar variation 907 (VCV000000907.12), dbSNP rs121918184, ClinGen allele CA339854.